The following is an entry in ClinVar:

ClinVar aggregate classification (germline): Likely benign (0 of 4 stars; one submission).

Conditions:
SV2C-related disorder. Also called: SV2C-related condition.

Allele frequency attached by ClinVar (database versions not stated): gnomAD exomes 0.00016; ExAC 0.00060; 1000 Genomes Project 0.00080; 1000 Genomes Project 30x 0.00094; gnomAD 0.00178; TOPMed 0.00187; ESP Exome Variant Server 0.00216.
gnomAD v4.1: 511 of 1,614,136 alleles (0.032%); highest among the groups gnomAD compares: African/African-American, 0.59%; 2 homozygotes.

Submission:

PreventionGenetics, part of Exact Sciences
Classification: Likely benign for SV2C-related condition. Last evaluated: 2020-01-06. Review status: no assertion criteria provided. Collection method: clinical testing. Allele origin: germline.
Comment: This variant is classified as likely benign based on ACMG/AMP sequence variant interpretation guidelines (Richards et al. 2015 PMID: 25741868, with internal and published modifications).

NM_014979.4(SV2C):c.499G>A (p.Val167Ile)

Gene: SV2C (synaptic vesicle glycoprotein 2C; plus strand). Cytogenetic location: 5q13.3.
Variant type: single nucleotide variant.
Coding change: c.499G>A on transcript NM_014979.4 (MANE Select); coding-DNA position 499, G replaced by A.
Protein change: p.Val167Ile; replaces valine 167 with isoleucine.
Molecular consequence: missense variant.
Genome position (GRCh38, 1-based): chr5:76,132,249, G>A. VCF-style: chr5-76132249-G-A. GRCh37 (hg19) VCF-style: chr5-75428074-G-A.
Other names: c.499G>A, p.Val167Ile (NM_001297716.2); short protein forms V167I.
Identifiers: ClinVar variation 3038438 (VCV003038438.2), dbSNP rs143178564, ClinGen allele CA3310843.